The following is an entry in ClinVar:

ClinVar aggregate classification (germline): Uncertain significance (1 of 4 stars; one submission).

Submission:

Ambry Genetics
Classification: Uncertain significance. Last evaluated: 2025-11-12. Review status: criteria provided, single submitter. Criteria: Ambry Variant Classification Scheme 2023. Collection method: clinical testing. Allele origin: germline.
Comment: The p.L316F variant (also known as c.946C>T), located in coding exon 7 of the ATRIP gene, results from a C to T substitution at nucleotide position 946. The leucine at codon 316 is replaced by phenylalanine, an amino acid with highly similar properties. This amino acid position is conserved. In addition, the in silico prediction for this alteration is inconclusive. Based on the available evidence, the clinical significance of this variant remains unclear.

NM_130384.3(ATRIP):c.946C>T (p.Leu316Phe)

Genes: ATRIP (ATR interacting protein; plus strand), ATRIP-TREX1 (ATRIP-TREX1 readthrough; plus strand). Cytogenetic location: 3p21.31.
Variant type: single nucleotide variant.
Coding change: c.946C>T on transcript NM_130384.3 (MANE Select); coding-DNA position 946, C replaced by T.
Protein change: p.Leu316Phe; replaces leucine 316 with phenylalanine.
Molecular consequence: missense variant. On other transcripts: non-coding transcript variant (1).
Genome position (GRCh38, 1-based): chr3:48,459,807, C>T. VCF-style: chr3-48459807-C-T. GRCh37 (hg19) VCF-style: chr3-48501206-C-T.
Other names: c.565C>T, p.Leu189Phe (NM_001271022.2); c.667C>T, p.Leu223Phe (NM_001271023.2); c.946C>T, p.Leu316Phe (NM_032166.4); short protein forms L189F, L316F, L223F.
Identifiers: ClinVar variation 4644586 (VCV004644586.1).